The following is an entry in ClinVar:

ClinVar aggregate classification (germline): Pathogenic (1 of 4 stars; one submission).

Conditions:
Nance-Horan syndrome (NHS). Identifiers: Orphanet 627, MedGen C0796085, MONDO:0010545, OMIM 302350.

Submission:

Labcorp Genetics (formerly Invitae), Labcorp
Classification: Pathogenic for Nance-Horan syndrome. Last evaluated: 2018-06-20. Review status: criteria provided, single submitter. Criteria: Invitae Variant Classification Sherloc (09022015). Collection method: clinical testing. Allele origin: germline.
Comment: For these reasons, this variant has been classified as Pathogenic. Loss-of-function variants in NHS are known to be pathogenic (PMID: 14564667, 19414485). This variant has not been reported in the literature in individuals with NHS-related disease. This variant is not present in population databases (ExAC no frequency). This sequence change creates a premature translational stop signal (p.Trp805*) in the NHS gene. It is expected to result in an absent or disrupted protein product.

Literature cited by the submitters: PubMed 14564667; PubMed 19414485.

NM_001291867.2(NHS):c.2477G>A (p.Trp826Ter)

Gene: NHS (NHS actin remodeling regulator; plus strand). Cytogenetic location: Xp22.13.
Variant type: single nucleotide variant.
Coding change: c.2477G>A on transcript NM_001291867.2 (MANE Select); coding-DNA position 2477, G replaced by A.
Protein change: p.Trp826Ter; replaces tryptophan 826 with a stop codon.
Molecular consequence: nonsense.
Genome position (GRCh38, 1-based): chrX:17,726,583, G>A. VCF-style: chrX-17726583-G-A. GRCh37 (hg19) VCF-style: chrX-17744703-G-A.
Other names: c.1946G>A, p.Trp649Ter (NM_001136024.4); c.2414G>A, p.Trp805Ter (NM_198270.4); c.1883G>A, p.Trp628Ter (NM_001291868.2); short protein forms W805*, W628*, W649*, W826*.
Identifiers: ClinVar variation 570303 (VCV000570303.6), dbSNP rs1569319773, ClinGen allele CA412358716.
Genomic context (GRCh38, chrX:17,726,583, plus strand): 5'-CCCTGGGCCCAGAGAATGGCCAGGGTGTAGGGGCTTCCCCTGGTCTTCCAGATTGTGCCT[G>A]GCAGGACTACTTAGACCACAAGAGGCAGGGAAGACCAAGCATCTCTTTCAGGAAACCAAA-3'